The following is an entry in ClinVar:

NM_182931.3(KMT2E):c.3218_3219del (p.Arg1073fs)

Gene: KMT2E (lysine methyltransferase 2E (inactive); plus strand). Cytogenetic location: 7q22.3.
Variant type: Deletion.
Coding change: c.3218_3219del on transcript NM_182931.3 (MANE Select); coding-DNA positions 3218 to 3219, 2 bases deleted (GA; older notation c.3218_3219delGA).
Protein change: p.Arg1073fs; shifts the reading frame from arginine 1073.
Molecular consequence: frameshift variant.
Genome position (GRCh38, 1-based): chr7:105,107,675-105,107,676, GA deleted; deleting any 2 consecutive bases within chr7:105,107,674-105,107,676 gives the same sequence; the c. name uses the placement nearest the transcript's 3' end. VCF-style (leftmost placement, unchanged base first): chr7-105107673-CAG-C. GRCh37 (hg19) VCF-style: chr7-104748120-CAG-C.
Other names: c.3218_3219del, p.Arg1073fs (NM_018682.4); short protein forms R1073fs.
Identifiers: ClinVar variation 1303403 (VCV001303403.3), dbSNP rs2129569913, ClinGen allele CA2573052777.

ClinVar aggregate classification (germline): Pathogenic (1 of 4 stars; one submission).

Submission:

GeneDx
Classification: Pathogenic. Last evaluated: 2022-08-05. Review status: criteria provided, single submitter. Criteria: GeneDx Variant Classification Process June 2021. Collection method: clinical testing. Allele origin: germline. Affected: yes.
Comment: Frameshift variant predicted to result in protein truncation or nonsense mediated decay in a gene for which loss of function is a known mechanism of disease; Not observed in large population cohorts (gnomAD); Has not been previously published as pathogenic or benign to our knowledge